The following is an entry in ClinVar:

NM_001943.5(DSG2):c.2960T>C (p.Val987Ala)

Genes: DSG2-AS1 (DSG2 antisense RNA 1; minus strand), DSG2 (desmoglein 2; plus strand). Cytogenetic location: 18q12.1.
Variant type: single nucleotide variant.
Coding change: c.2960T>C on transcript NM_001943.5 (MANE Select); coding-DNA position 2960, T replaced by C.
Protein change: p.Val987Ala; replaces valine 987 with alanine.
Molecular consequence: missense variant.
Genome position (GRCh38, 1-based): chr18:31,546,346, T>C. VCF-style: chr18-31546346-T-C. GRCh37 (hg19) VCF-style: chr18-29126309-T-C.
Other names: short protein forms V987A.
Identifiers: ClinVar variation 163223 (VCV000163223.19), dbSNP rs727502991, ClinGen allele CA021943.

ClinVar aggregate classification (germline): Uncertain significance. Review status: criteria provided, multiple submitters, no conflicts (2 of 4 stars). 6 submissions from 6 submitters: Uncertain significance (6). Last evaluated 2024-07-24.

Conditions:
Cardiovascular phenotype. Identifiers: MedGen CN230736.
Arrhythmogenic right ventricular dysplasia 10. Also called: Arrhythmogenic right ventricular dysplasia/cardiomyopathy, type 10; Arrhythmogenic Right Ventricular Dysplasia/Cardiomyopathy10; ARRHYTHMOGENIC RIGHT VENTRICULAR DYSPLASIA, FAMILIAL, 10. Identifiers: MedGen C1857777, MONDO:0012434, OMIM 610193.
Dilated cardiomyopathy 1BB (CMD1BB). Also called: CARDIOMYOPATHY, DILATED, 1BB, SUSCEPTIBILITY TO. Identifiers: Orphanet 154, MedGen C2752072, MONDO:0013030, OMIM 612877.
Cardiomyopathy (CMYO). Also called: Cardiomyopathies. Identifiers: Orphanet 167848, MedGen C0878544, MONDO:0004994, HP:0001638. Inheritance: Various modes of inheritance.
Arrhythmogenic right ventricular cardiomyopathy (ARVD). Also called: Arrhythmogenic cardiomyopathy; Arrhythmogenic Right Ventricular Cardiomyopathy (ARVC); Cardiomyopathy, ARVC; Arrhythmogenic right ventricular dysplasia. Identifiers: Orphanet 247, MedGen C0349788, MeSH D019571, MONDO:0016587. Disease mechanism: loss of function. Inheritance: Various modes of inheritance.

Allele frequency attached by ClinVar (database versions not stated): gnomAD exomes below 0.00001 and 0.00001; TOPMed below 0.00001; gnomAD 0.00003.
gnomAD v4.1: 16 of 1,612,910 alleles (0.00099%); highest among the groups gnomAD compares: African/African-American, 0.0013%; no homozygotes.

Submissions (6):

Labcorp Genetics (formerly Invitae), Labcorp
Classification: Uncertain significance for Arrhythmogenic right ventricular dysplasia 10. Last evaluated: 2024-07-24. Review status: criteria provided, single submitter. Criteria: Invitae Variant Classification Sherloc (09022015). Collection method: clinical testing. Allele origin: germline.
Comment: This sequence change replaces valine, which is neutral and non-polar, with alanine, which is neutral and non-polar, at codon 987 of the DSG2 protein (p.Val987Ala). This variant is present in population databases (rs727502991, gnomAD 0.002%). This variant has not been reported in the literature in individuals affected with DSG2-related conditions. ClinVar contains an entry for this variant (Variation ID: 163223). Advanced modeling of protein sequence and biophysical properties (such as structural, functional, and spatial information, amino acid conservation, physicochemical variation, residue mobility, and thermodynamic stability) performed at Invitae indicates that this missense variant is not expected to disrupt DSG2 protein function with a negative predictive value of 95%. In summary, the available evidence is currently insufficient to determine the role of this variant in disease. Therefore, it has been classified as a Variant of Uncertain Significance.

Color Diagnostics, LLC DBA Color Health
Classification: Uncertain significance for Cardiomyopathy. Last evaluated: 2024-03-06. Review status: criteria provided, single submitter. Criteria: ACMG Guidelines, 2015. Collection method: clinical testing. Allele origin: germline.
Comment: This missense variant replaces valine with alanine at codon 987 of the DSG2 protein. Computational prediction suggests that this variant may not impact protein structure and function (internally defined REVEL score threshold <= 0.5, PMID: 27666373). To our knowledge, functional studies have not been reported for this variant. This variant has not been reported in individuals affected with cardiovascular disorders in the literature. This variant has been identified in 2/279952 chromosomes in the general population by the Genome Aggregation Database (gnomAD). The available evidence is insufficient to determine the role of this variant in disease conclusively. Therefore, this variant is classified as a Variant of Uncertain Significance.

Ambry Genetics
Classification: Uncertain significance for Cardiovascular phenotype. Last evaluated: 2024-02-26. Review status: criteria provided, single submitter. Criteria: Ambry Variant Classification Scheme 2023. Collection method: clinical testing. Allele origin: germline.
Comment: The p.V987A variant (also known as c.2960T>C), located in coding exon 15 of the DSG2 gene, results from a T to C substitution at nucleotide position 2960. The valine at codon 987 is replaced by alanine, an amino acid with similar properties. This amino acid position is conserved. In addition, the in silico prediction for this alteration is inconclusive. Based on the available evidence, the clinical significance of this alteration remains unclear.

All of Us Research Program, National Institutes of Health
Classification: Uncertain significance for Arrhythmogenic right ventricular cardiomyopathy. Last evaluated: 2024-02-05. Review status: criteria provided, single submitter. Criteria: ACMG Guidelines, 2015. Collection method: clinical testing. Allele origin: germline. Inheritance: Autosomal dominant inheritance. Observed: 5 variant alleles, 5 heterozygotes.
Comment: Variant of Uncertain Significance due to insufficient evidence: This missense variant is located in the cytoplasmic desmoglein repeat 4 of the DSG2 protein. Computational prediction tools and conservation analyses are inconclusive regarding the impact of this variant on the protein function. Computational splicing tools suggest that this variant may not impact RNA splicing. To our knowledge, functional assays have not been performed for this variant nor has this variant been reported in individuals affected with cardiovascular disorders in the literature. This variant has been identified in 2/276188 chromosomes in the general population by the Genome Aggregation Database (gnomAD). Available evidence is insufficient to determine the role of this variant in disease conclusively.

This study involves interpretation of variants in research participants for the purpose of population health screening. Participant phenotype was not available at the time of variant classification. Additional details can be found in publication PMID: 35346344, PMCID: PMC8962531

Fulgent Genetics
Classification: Uncertain significance for Arrhythmogenic right ventricular dysplasia 10; Dilated cardiomyopathy 1BB. Last evaluated: 2021-07-05. Review status: criteria provided, single submitter. Criteria: ACMG Guidelines, 2015. Collection method: clinical testing. Allele origin: unknown.

Laboratory for Molecular Medicine, Mass General Brigham Personalized Medicine
Classification: Uncertain significance. Last evaluated: 2018-09-05. Review status: criteria provided, single submitter. Criteria: LMM Criteria. Collection method: clinical testing. Allele origin: germline. Observed: 1 variant allele.
Comment: proposed classification - variant undergoing re-assessment, contact laboratory